The following is an entry in ClinVar:

NM_017662.5(TRPM6):c.2649T>C (p.Ala883=)

Gene: TRPM6 (transient receptor potential cation channel subfamily M member 6; minus strand). Cytogenetic location: 9q21.13.
Variant type: single nucleotide variant.
Coding change: c.2649T>C on transcript NM_017662.5 (MANE Select); coding-DNA position 2649, T replaced by C.
Protein change: p.Ala883=; no amino-acid change (alanine 883 retained).
Molecular consequence: synonymous variant.
Genome position (GRCh38, 1-based): chr9:74,788,632, A>G on the plus strand (T>C on the coding strand, the complement: TRPM6 is on the minus strand). VCF-style: chr9-74788632-A-G. GRCh37 (hg19) VCF-style: chr9-77403548-A-G.
Other names: c.2634T>C, p.Ala878= (NM_001177310.2, NM_001177311.2).
Identifiers: ClinVar variation 726520 (VCV000726520.12), dbSNP rs373991938, ClinGen allele CA5084480.

ClinVar aggregate classification (germline): Benign/Likely benign. Review status: criteria provided, multiple submitters, no conflicts (2 of 4 stars). 3 submissions from 3 submitters: Benign (1); Likely benign (2). Last evaluated 2025-12-19.

Conditions:
Intestinal hypomagnesemia 1. Also called: HYPOMAGNESEMIA, INTESTINAL, WITH SECONDARY HYPOCALCEMIA; HYPOMAGNESEMIC TETANY. Identifiers: Orphanet 30924, MedGen C1865974, MONDO:0011176, OMIM 602014.

Allele frequency attached by ClinVar (database versions not stated): ESP Exome Variant Server 0.00015; gnomAD 0.00016 and 0.00033; TOPMed 0.00018; gnomAD exomes 0.00047 and 0.00084; 1000 Genomes Project 30x 0.00078; 1000 Genomes Project 0.00080; ExAC 0.00089.
gnomAD v4.1: 733 of 1,613,994 alleles (0.045%); highest among the groups gnomAD compares: South Asian, 0.61%; 6 homozygotes.

Submissions (3):

Labcorp Genetics (formerly Invitae), Labcorp
Classification: Benign. Last evaluated: 2025-12-19. Review status: criteria provided, single submitter. Criteria: Invitae Variant Classification Sherloc (09022015). Collection method: clinical testing. Allele origin: germline.

Fulgent Genetics
Classification: Likely benign for Intestinal hypomagnesemia 1. Last evaluated: 2021-07-26. Review status: criteria provided, single submitter. Criteria: ACMG Guidelines, 2015. Collection method: clinical testing. Allele origin: unknown.

Illumina Laboratory Services, Illumina
Classification: Likely benign for Intestinal hypomagnesemia 1. Last evaluated: 2018-01-13. Review status: criteria provided, single submitter. Criteria: ICSL Variant Classification Criteria 13 December 2019. Collection method: clinical testing. Allele origin: germline.
Comment: This variant was observed in the ICSL laboratory as part of a predisposition screen in an ostensibly healthy population. It had not been previously curated by ICSL or reported in the Human Gene Mutation Database (HGMD: prior to June 1st, 2018), and was therefore a candidate for classification through an automated scoring system. Utilizing variant allele frequency, disease prevalence and penetrance estimates, and inheritance mode, an automated score was calculated to assess if this variant is too frequent to cause the disease. Based on the score and internal cut-off values, a variant classified as likely benign is not then subjected to further curation. The score for this variant resulted in a classification of likely benign for this disease.